The following is an entry in ClinVar:

NM_033337.3(CAV3):c.272T>C (p.Leu91Pro)

Genes: CAV3 (caveolin 3; plus strand), OXTR (oxytocin receptor; minus strand). Cytogenetic location: 3p25.3.
Variant type: single nucleotide variant.
Coding change: c.272T>C on transcript NM_033337.3 (MANE Select); coding-DNA position 272, T replaced by C.
Protein change: p.Leu91Pro; replaces leucine 91 with proline.
Molecular consequence: missense variant.
Genome position (GRCh38, 1-based): chr3:8,745,683, T>C. VCF-style: chr3-8745683-T-C. GRCh37 (hg19) VCF-style: chr3-8787369-T-C.
Other names: c.272T>C, p.Leu91Pro (NM_001234.5); short protein forms L91P.
Identifiers: ClinVar variation 1044741 (VCV001044741.6), dbSNP rs1708137672, ClinGen allele CA351663413.

ClinVar aggregate classification (germline): Uncertain significance. Review status: criteria provided, multiple submitters, no conflicts (2 of 4 stars). 2 submissions from 2 submitters: Uncertain significance (2). Last evaluated 2025-05-22.

Conditions:
Long QT syndrome (LQTS). Identifiers: MedGen C0023976, MeSH D008133, MONDO:0002442. Disease mechanism: loss of function. Inheritance: Various modes of inheritance.

Submissions (2):

Women's Health and Genetics/Laboratory Corporation of America, LabCorp
Classification: Uncertain significance. Last evaluated: 2025-05-22. Review status: criteria provided, single submitter. Criteria: LabCorp Variant Classification Summary - May 2015. Collection method: clinical testing. Allele origin: germline.

Labcorp Genetics (formerly Invitae), Labcorp
Classification: Uncertain significance for Long QT syndrome. Last evaluated: 2018-06-28. Review status: criteria provided, single submitter. Criteria: Invitae Variant Classification Sherloc (09022015). Collection method: clinical testing. Allele origin: germline.
Comment: In summary, the available evidence is currently insufficient to determine the role of this variant in disease. Therefore, it has been classified as a Variant of Uncertain Significance. Algorithms developed to predict the effect of missense changes on protein structure and function are either unavailable or do not agree on the potential impact of this missense change (SIFT: "Deleterious"; PolyPhen-2: "Possibly Damaging"; Align-GVGD: "Class C0"). This variant has not been reported in the literature in individuals with CAV3-related disease. This variant is not present in population databases (ExAC no frequency). This sequence change replaces leucine with proline at codon 91 of the CAV3 protein (p.Leu91Pro). The leucine residue is highly conserved and there is a moderate physicochemical difference between leucine and proline.